The following is an entry in ClinVar:

NM_000069.3(CACNA1S):c.3752_3754del (p.Glu1251del)

Gene: CACNA1S (calcium voltage-gated channel subunit alpha1 S; minus strand). Cytogenetic location: 1q32.1.
Variant type: Deletion.
Coding change: c.3752_3754del on transcript NM_000069.3 (MANE Select); coding-DNA positions 3752 to 3754, 3 bases deleted (AAG; older notation c.3752_3754delAAG).
Protein change: p.Glu1251del; deletes glutamic acid 1251.
Molecular consequence: inframe deletion.
Genome position (GRCh38, 1-based): chr1:201,053,500-201,053,502, CTT deleted on the plus strand (AAG on the coding strand, the reverse complement: CACNA1S is on the minus strand); deleting any 3 consecutive bases within chr1:201,053,500-201,053,504 gives the same sequence; the c. name uses the placement nearest the transcript's 3' end. VCF-style (leftmost placement, unchanged base first): chr1-201053499-CCTT-C. GRCh37 (hg19) VCF-style: chr1-201022627-CCTT-C.
Other names: c.3752_3754del (NM_000069.2); short protein forms E1251del.
Identifiers: ClinVar variation 541038 (VCV000541038.11), dbSNP rs1283443722, ClinGen allele CA528536572.
Genomic context (GRCh38, chr1:201,053,499, plus strand): 5'-TTCCAGGGTCCCTGTTGCACCTGGAAGGACTTGATGAACGTCCACAGGAGGGTTCGCACT[CCTT>C]CTGCCCGGCTCAGCAGCTTGATCAGCCTCATGACACGGAACAGGCGGAAGAAGGCGCTGG-3'

ClinVar aggregate classification (germline): Uncertain significance. Review status: criteria provided, multiple submitters, no conflicts (2 of 4 stars). 8 submissions from 5 submitters: Uncertain significance (8). Last evaluated 2025-10-02.

Conditions:
Hypokalemic periodic paralysis, type 1. Also called: HypoPP; Hypokalemic Periodic Paralysis Type 1 (AD). Identifiers: Orphanet 681, MedGen C3714580, MONDO:0042979, OMIM 170400.
Thyrotoxic periodic paralysis, susceptibility to, 1 (TTPP1). Identifiers: Orphanet 79102, MedGen C2749982, MONDO:0008570, OMIM 188580.
Malignant hyperthermia, susceptibility to, 5 (MHS5). Also called: CACNA1S-Related Malignant Hyperthermia Susceptibility. Identifiers: Orphanet 423, MedGen C1866077, MONDO:0011163, OMIM 601887.
Congenital myopathy 18. Also called: Myopathy, congenital, due to dihydropyridine receptor defect; DIHYDROPYRIDINE RECEPTOR CONGENITAL MYOPATHY; DHPR CONGENITAL MYOPATHY. Identifiers: MedGen C5830283, MONDO:0859514, OMIM 620246.

Submissions (8):

Color Diagnostics, LLC DBA Color Health
Classification: Uncertain significance for Malignant hyperthermia, susceptibility to, 5. Last evaluated: 2025-10-02. Review status: criteria provided, single submitter. Criteria: ACMG Guidelines, 2015. Collection method: clinical testing. Allele origin: germline.
Comment: This variant results in the in-frame deletion of one amino acid in the CACNA1S protein. To our knowledge, functional studies have not been reported for this variant. This variant has not been reported in individuals affected with CACNA1S-related disorders in the literature. This variant has been identified in 3/251390 chromosomes in the general population by the Genome Aggregation Database (gnomAD). The available evidence is insufficient to determine the role of this variant in disease conclusively. Therefore, this variant is classified as a Variant of Uncertain Significance.

GeneDx
Classification: Uncertain significance. Last evaluated: 2025-06-26. Review status: criteria provided, single submitter. Criteria: GeneDx Variant Classification Process June 2021. Collection method: clinical testing. Allele origin: germline. Affected: yes.
Comment: In-frame deletion of 1 amino acid(s) in a non-repeat region; In silico analysis supports a deleterious effect on protein structure/function; Has not been previously published as pathogenic or benign to our knowledge

Labcorp Genetics (formerly Invitae), Labcorp
Classification: Uncertain significance for Hypokalemic periodic paralysis, type 1; Malignant hyperthermia, susceptibility to, 5. Last evaluated: 2024-02-20. Review status: criteria provided, single submitter. Criteria: Invitae Variant Classification Sherloc (09022015). Collection method: clinical testing. Allele origin: germline.
Comment: This variant, c.3752_3754del, results in the deletion of 1 amino acid(s) of the CACNA1S protein (p.Glu1251del), but otherwise preserves the integrity of the reading frame. This variant is present in population databases (no rsID available, gnomAD 0.006%). This variant has not been reported in the literature in individuals affected with CACNA1S-related conditions. ClinVar contains an entry for this variant (Variation ID: 541038). Experimental studies and prediction algorithms are not available or were not evaluated, and the functional significance of this variant is currently unknown. In summary, the available evidence is currently insufficient to determine the role of this variant in disease. Therefore, it has been classified as a Variant of Uncertain Significance.

Genome-Nilou Lab
Classification: Uncertain significance for Malignant hyperthermia, susceptibility to, 5. Last evaluated: 2023-04-11. Review status: criteria provided, single submitter. Criteria: ACMG Guidelines, 2015. Collection method: clinical testing. Allele origin: germline. Affected: no.

Genome-Nilou Lab
Classification: Uncertain significance for Thyrotoxic periodic paralysis, susceptibility to, 1. Last evaluated: 2023-04-11. Review status: criteria provided, single submitter. Criteria: ACMG Guidelines, 2015. Collection method: clinical testing. Allele origin: germline. Affected: no.

Genome-Nilou Lab
Classification: Uncertain significance for Congenital myopathy 18. Last evaluated: 2023-04-11. Review status: criteria provided, single submitter. Criteria: ACMG Guidelines, 2015. Collection method: clinical testing. Allele origin: germline. Affected: no.

Genome-Nilou Lab
Classification: Uncertain significance for Hypokalemic periodic paralysis, type 1. Last evaluated: 2023-04-11. Review status: criteria provided, single submitter. Criteria: ACMG Guidelines, 2015. Collection method: clinical testing. Allele origin: germline. Affected: no.

Fulgent Genetics
Classification: Uncertain significance for Hypokalemic periodic paralysis, type 1; Thyrotoxic periodic paralysis, susceptibility to, 1; Malignant hyperthermia, susceptibility to, 5. Last evaluated: 2022-03-04. Review status: criteria provided, single submitter. Criteria: ACMG Guidelines, 2015. Collection method: clinical testing. Allele origin: unknown.